The following is an entry in ClinVar:

ClinVar aggregate classification (germline): Uncertain significance. Review status: criteria provided, multiple submitters, no conflicts (2 of 4 stars). 3 submissions from 3 submitters: Uncertain significance (3). Last evaluated 2025-10-15.

Conditions:
Inborn genetic diseases. Identifiers: MedGen C0950123, MeSH D030342.
Microangiopathy and leukoencephalopathy, pontine, autosomal dominant. Also called: Pontine autosomal dominant microangiopathy with leukoencephalopathy; DEMENTIA, HEREDITARY MULTI-INFARCT, SWEDISH TYPE. Identifiers: Orphanet 477749, MedGen C5231411, MONDO:0032814, OMIM 618564.
Retinal arterial tortuosity. Also called: Retinal arteries, tortuosity of; RETINAL HEMORRHAGE WITH VASCULAR TORTUOSITY. Identifiers: Orphanet 75326, MedGen C0423401, MONDO:0008373, OMIM 180000, HP:0000631.
Autosomal dominant familial hematuria-retinal arteriolar tortuosity-contractures syndrome. Also called: Hereditary Angiopathy with Nephropathy, Aneurysms, and Muscle Cramps (HANAC) Syndrome; Angiopathy, hereditary, with nephropathy, aneurysms, and muscle cramps. Identifiers: Orphanet 73229, MedGen C2673195, MONDO:0012726, OMIM 611773.
Brain small vessel disease 1 with or without ocular anomalies (BSVD1). Also called: PORENCEPHALY, TYPE 1, AUTOSOMAL DOMINANT; GOULD SYNDROME 1; Brain small vessel disease with or without ocular anomalies; BRAIN SMALL VESSEL DISEASE WITH HEMORRHAGE. Identifiers: Orphanet 2940, Orphanet 36383, Orphanet 99810, MedGen C4755307, MONDO:0008289, OMIM 175780.
Hemorrhage, intracerebral, susceptibility to (ICH). Also called: Stroke, hemorrhagic, susceptibility to. Identifiers: MedGen C3281105, MONDO:0100533, OMIM 614519.

Allele frequency attached by ClinVar (database versions not stated): gnomAD 0.00002; TOPMed 0.00003; ExAC 0.00005; gnomAD exomes 0.00006.
gnomAD v4.1: 96 of 1,613,374 alleles (0.006%); highest among the groups gnomAD compares: Middle Eastern, 0.017%; no homozygotes.

Submissions (3):

Labcorp Genetics (formerly Invitae), Labcorp
Classification: Uncertain significance. Last evaluated: 2025-10-15. Review status: criteria provided, single submitter. Criteria: Invitae Variant Classification Sherloc (09022015). Collection method: clinical testing. Allele origin: germline.
Comment: This sequence change replaces alanine, which is neutral and non-polar, with threonine, which is neutral and polar, at codon 683 of the COL4A1 protein (p.Ala683Thr). This variant is present in population databases (rs569001394, gnomAD 0.006%). This variant has not been reported in the literature in individuals affected with COL4A1-related conditions. ClinVar contains an entry for this variant (Variation ID: 2150430). Invitae Evidence Modeling of protein sequence and biophysical properties (such as structural, functional, and spatial information, amino acid conservation, physicochemical variation, residue mobility, and thermodynamic stability) indicates that this missense variant is not expected to disrupt COL4A1 protein function with a negative predictive value of 80%. In summary, the available evidence is currently insufficient to determine the role of this variant in disease. Therefore, it has been classified as a Variant of Uncertain Significance.

Ambry Genetics
Classification: Uncertain significance for Inborn genetic diseases. Last evaluated: 2024-11-15. Review status: criteria provided, single submitter. Criteria: Ambry Variant Classification Scheme 2023. Collection method: clinical testing. Allele origin: germline.

Fulgent Genetics
Classification: Uncertain significance for Brain small vessel disease 1 with or without ocular anomalies; Retinal arterial tortuosity; Autosomal dominant familial hematuria-retinal arteriolar tortuosity-contractures syndrome; Hemorrhage, intracerebral, susceptibility to; Microangiopathy and leukoencephalopathy, pontine, autosomal dominant. Last evaluated: 2024-04-11. Review status: criteria provided, single submitter. Criteria: ACMG Guidelines, 2015. Collection method: clinical testing. Allele origin: germline.

NM_001845.6(COL4A1):c.2047G>A (p.Ala683Thr)

Gene: COL4A1 (collagen type IV alpha 1 chain; minus strand). Cytogenetic location: 13q34.
Variant type: single nucleotide variant.
Coding change: c.2047G>A on transcript NM_001845.6 (MANE Select); coding-DNA position 2047, G replaced by A.
Protein change: p.Ala683Thr; replaces alanine 683 with threonine.
Molecular consequence: missense variant.
Genome position (GRCh38, 1-based): chr13:110,183,041, C>T on the plus strand (G>A on the coding strand, the complement: COL4A1 is on the minus strand). VCF-style: chr13-110183041-C-T. GRCh37 (hg19) VCF-style: chr13-110835388-C-T.
Other names: c.2047G>A (NM_001845.4); short protein forms A683T.
Identifiers: ClinVar variation 2150430 (VCV002150430.6), dbSNP rs569001394, ClinGen allele CA7047734.
Genomic context (GRCh38, chr13:110,183,041, plus strand): 5'-TGGCAGGGTTACCTTTGGGGCCGGGGGGCCCTGGAAATCCAATGCCTGGCTGGCCCACAG[C>T]GCCCTTCTCTCCTGGCAGGCCTGGCCTTCCTGGGGTTCCGGGAAAGCCTCGGTCTCCTGT-3'
Protein context (NP_001836.3, residues 673-693): GRPGLPGEKG[Ala683Thr]VGQPGIGFPG